The following is an entry in ClinVar:

NM_004168.4(SDHA):c.1010T>C (p.Leu337Pro)

Gene: SDHA (succinate dehydrogenase complex flavoprotein subunit A; plus strand). Cytogenetic location: 5p15.33.
Variant type: single nucleotide variant.
Coding change: c.1010T>C on transcript NM_004168.4 (MANE Select); coding-DNA position 1010, T replaced by C.
Protein change: p.Leu337Pro; replaces leucine 337 with proline.
Molecular consequence: missense variant.
Genome position (GRCh38, 1-based): chr5:233,591, T>C. VCF-style: chr5-233591-T-C. GRCh37 (hg19) VCF-style: chr5-233706-T-C.
Other names: c.866T>C, p.Leu289Pro (NM_001294332.2); c.1010T>C, p.Leu337Pro (NM_001330758.2); short protein forms L289P, L337P.
Identifiers: ClinVar variation 4547029 (VCV004547029.2).
Genomic context (GRCh38, chr5:233,591, plus strand): 5'-TTCTCATTAACAGTCAAGGCGAAAGGTTTATGGAGCGATACGCCCCTGTCGCGAAGGACC[T>C]GGCGTCTAGAGATGTGGTGTCTCGGTCCATGACTCTGGAGATCCGAGAAGGAAGGTGCGT-3'
Protein context (NP_004159.2, residues 327-347): MERYAPVAKD[Leu337Pro]ASRDVVSRSM

ClinVar aggregate classification (germline): Uncertain significance (1 of 4 stars; one submission).

Conditions:
Hereditary cancer-predisposing syndrome. Also called: Neoplastic Syndromes, Hereditary; Tumor predisposition; Hereditary Cancer Syndrome; Hereditary neoplastic syndrome. Identifiers: Orphanet 140162, MedGen C0027672, MeSH D009386, MONDO:0015356.

Submission:

Ambry Genetics
Classification: Uncertain significance for Hereditary cancer-predisposing syndrome. Last evaluated: 2026-02-04. Review status: criteria provided, single submitter. Criteria: Ambry Variant Classification Scheme 2023. Collection method: clinical testing. Allele origin: germline.
Comment: The p.L337P variant (also known as c.1010T>C), located in coding exon 8 of the SDHA gene, results from a T to C substitution at nucleotide position 1010. The leucine at codon 337 is replaced by proline, an amino acid with similar properties. This amino acid position is highly conserved in available vertebrate species. In addition, this alteration is predicted to be deleterious by in silico analysis. Based on the available evidence, the clinical significance of this variant remains unclear.